The following is an entry in ClinVar:

NM_153252.5(BRWD3):c.1397A>G (p.Asp466Gly)

Gene: BRWD3 (bromodomain and WD repeat domain containing 3; minus strand). Cytogenetic location: Xq21.1.
Variant type: single nucleotide variant.
Coding change: c.1397A>G on transcript NM_153252.5 (MANE Select); coding-DNA position 1397, A replaced by G.
Protein change: p.Asp466Gly; replaces aspartic acid 466 with glycine.
Molecular consequence: missense variant.
Genome position (GRCh38, 1-based): chrX:80,725,057, T>C on the plus strand (A>G on the coding strand, the complement: BRWD3 is on the minus strand). VCF-style: chrX-80725057-T-C. GRCh37 (hg19) VCF-style: chrX-79980556-T-C.
Other names: short protein forms D466G.
Identifiers: ClinVar variation 2868896 (VCV002868896.3), dbSNP rs757327494, ClinGen allele CA10462179.

ClinVar aggregate classification (germline): Uncertain significance (1 of 4 stars; one submission).

Allele frequency attached by ClinVar (database versions not stated): ExAC 0.00002; gnomAD exomes 0.00001.
gnomAD v4.1: 4 of 1,208,402 alleles (0.00033%); highest among the groups gnomAD compares: Admixed American, 0.0087%; no homozygotes.

Submission:

Labcorp Genetics (formerly Invitae), Labcorp
Classification: Uncertain significance. Last evaluated: 2025-11-10. Review status: criteria provided, single submitter. Criteria: Invitae Variant Classification Sherloc (09022015). Collection method: clinical testing. Allele origin: germline.
Comment: This sequence change replaces aspartic acid, which is acidic and polar, with glycine, which is neutral and non-polar, at codon 466 of the BRWD3 protein (p.Asp466Gly). This variant is present in population databases (rs757327494, gnomAD 0.02%). This variant has not been reported in the literature in individuals affected with BRWD3-related conditions. ClinVar contains an entry for this variant (Variation ID: 2868896). Invitae Evidence Modeling of protein sequence and biophysical properties (such as structural, functional, and spatial information, amino acid conservation, physicochemical variation, residue mobility, and thermodynamic stability) has been performed for this missense variant. However, the output from this modeling did not meet the statistical confidence thresholds required to predict the impact of this variant on BRWD3 protein function. In summary, the available evidence is currently insufficient to determine the role of this variant in disease. Therefore, it has been classified as a Variant of Uncertain Significance.